The following is an entry in ClinVar:

GRCh37/hg19 Xp22.31(chrX:6455152-8141076)x0

Genes: PNPLA4 (patatin like domain 4, phospholipase and triacylglycerol lipase; minus strand), PUDP (pseudouridine 5'-phosphatase; minus strand), STS (steroid sulfatase; plus strand), VCX (variable charge X-linked; plus strand), VCX2 (variable charge X-linked 2; minus strand). Cytogenetic location: Xp22.31.
Variant type: copy number loss.
Change: copy number 0 of chrX:6,455,152-8,141,076 (1.69 Mb, GRCh37 coordinates, 1-based), cytogenetic band Xp22.31.
Identifiers: ClinVar variation 3148904 (VCV003148904.2).

ClinVar aggregate classification (germline): no classifications from unflagged records (0 of 4 stars; one submission).

Submission:

Prenatal Diagnosis Center, Urumqi Maternal and Child Health Care Hospital
Classification: Uncertain significance. Review status: flagged submission. Criteria: ACMG/ClinGen CNV Guidelines, 2019. Collection method: clinical testing. Allele origin: unknown.
ClinVar note: Notes: This submission was flagged because its interpretation of this variant conflicts with the ClinGen Gene Dosage Map curation for the gene STS.
ClinVar note: Reason: Conflict with ClinGen Gene Dosage Map